The following is an entry in ClinVar:

ClinVar aggregate classification (germline): Pathogenic. Review status: criteria provided, single submitter (1 of 4 stars). 2 submissions from 2 submitters: Pathogenic (1). 1 of the submissions does not count toward it. Last evaluated 2024-10-25.

Conditions:
Usher syndrome type 1 (USH1). Also called: RETINITIS PIGMENTOSA AND CONGENITAL DEAFNESS. Identifiers: Orphanet 231169, Orphanet 886, MedGen C1568247, MONDO:0010168, OMIM 276900.

Submissions (2):

Labcorp Genetics (formerly Invitae), Labcorp
Classification: Pathogenic. Last evaluated: 2024-10-25. Review status: criteria provided, single submitter. Criteria: Invitae Variant Classification Sherloc (09022015). Collection method: clinical testing. Allele origin: germline.
Comment: This sequence change creates a premature translational stop signal (p.Asp75Thrfs*31) in the MYO7A gene. It is expected to result in an absent or disrupted protein product. Loss-of-function variants in MYO7A are known to be pathogenic (PMID: 8900236, 25404053). This variant is not present in population databases (gnomAD no frequency). This premature translational stop signal has been observed in individual(s) with clinical features of autosomal recessive Usher syndrome (PMID: 8900236, 15823922, 31479088). This variant is also known as 75delG(FS). ClinVar contains an entry for this variant (Variation ID: 226431). For these reasons, this variant has been classified as Pathogenic.

GeneReviews
No classification provided. Condition: Usher syndrome type 1. Review status: no classification provided. Collection method: literature only. Allele origin: germline. Affected: yes. Not counted in ClinVar's aggregate classification.

Literature cited by the submitters: PubMed 8900236 (cited by Labcorp Genetics (formerly Invitae), Labcorp); PubMed 25404053 (cited by Labcorp Genetics (formerly Invitae), Labcorp); PubMed 15823922 (cited by Labcorp Genetics (formerly Invitae), Labcorp); PubMed 31479088 (cited by Labcorp Genetics (formerly Invitae), Labcorp); PubMed 21569298 (cited by GeneReviews); NCBI Bookshelf NBK1265 (cited by GeneReviews).

NM_000260.4(MYO7A):c.223del (p.Asp75fs)

Gene: MYO7A (myosin VIIA; plus strand). Cytogenetic location: 11q13.5.
Variant type: Deletion.
Coding change: c.223del on transcript NM_000260.4 (MANE Select); coding-DNA position 223, one base deleted (G; older notation c.223delG).
Protein change: p.Asp75fs; shifts the reading frame from aspartic acid 75.
Molecular consequence: frameshift variant.
Genome position (GRCh38, 1-based): chr11:77,147,888, G deleted; the last of 5 consecutive G bases (chr11:77,147,884-77,147,888); deleting any one gives the same sequence. VCF-style (leftmost placement, unchanged base first): chr11-77147883-TG-T. GRCh37 (hg19) VCF-style: chr11-76858929-TG-T.
Other names: c.223del, p.Asp75fs (NM_001127180.2); c.190del, p.Asp64fs (NM_001369365.1); short protein forms D64fs, D75fs.
Identifiers: ClinVar variation 226431 (VCV000226431.9), dbSNP rs876657415, ClinGen allele CA10576349.